The following is an entry in ClinVar:

ClinVar aggregate classification (germline): Pathogenic (1 of 4 stars; one submission).

Submission:

Labcorp Genetics (formerly Invitae), Labcorp
Classification: Pathogenic. Last evaluated: 2018-03-19. Review status: criteria provided, single submitter. Criteria: Invitae Variant Classification Sherloc (09022015). Collection method: clinical testing. Allele origin: germline.
Comment: This variant is not present in population databases (ExAC no frequency). This sequence change creates a premature translational stop signal (p.Ser1670Ilefs*2) in the COL11A1 gene. It is expected to result in an absent or disrupted protein product. This variant has not been reported in the literature in individuals with COL11A1-related disease. For these reasons, this variant has been classified as Pathogenic. Loss-of-function variants in COL11A1 are known to be pathogenic (PMID: 10486316, 20513134, 21035103, 25240749).

Literature cited by the submitters: PubMed 10486316; PubMed 20513134; PubMed 21035103; PubMed 25240749.

NM_001854.4(COL11A1):c.5009_5013del (p.Ser1670fs)

Gene: COL11A1 (collagen type XI alpha 1 chain; minus strand). Cytogenetic location: 1p21.1.
Variant type: Deletion.
Coding change: c.5009_5013del on transcript NM_001854.4 (MANE Select); coding-DNA positions 5009 to 5013, 5 bases deleted (GTTGG; older notation c.5009_5013delGTTGG).
Protein change: p.Ser1670fs; shifts the reading frame from serine 1670.
Molecular consequence: frameshift variant. On other transcripts: non-coding transcript variant (1).
Genome position (GRCh38, 1-based): chr1:102,881,724-102,881,728, CCAAC deleted on the plus strand (GTTGG on the coding strand, the reverse complement: COL11A1 is on the minus strand). VCF-style (leftmost placement, unchanged base first): chr1-102881723-ACCAAC-A. GRCh37 (hg19) VCF-style: chr1-103347279-ACCAAC-A.
Other names: c.4892_4896del, p.Ser1631fs (NM_001190709.2); c.5045_5049del, p.Ser1682fs (NM_080629.3); c.4661_4665del, p.Ser1554fs (NM_080630.4); short protein forms S1554fs, S1631fs, S1670fs, S1682fs.
Identifiers: ClinVar variation 1068624 (VCV001068624.7), dbSNP rs2101017789, ClinGen allele CA2499214088.